The following is an entry in ClinVar:

NM_001330723.2(SNX27):c.1046C>A (p.Ala349Asp)

Gene: SNX27 (sorting nexin 27; plus strand). Cytogenetic location: 1q21.3.
Variant type: single nucleotide variant.
Coding change: c.1046C>A on transcript NM_001330723.2 (MANE Select); coding-DNA position 1046, C replaced by A.
Protein change: p.Ala349Asp; replaces alanine 349 with aspartic acid.
Molecular consequence: missense variant.
Genome position (GRCh38, 1-based): chr1:151,668,532, C>A. VCF-style: chr1-151668532-C-A. GRCh37 (hg19) VCF-style: chr1-151641008-C-A.
Other names: c.1046C>A, p.Ala349Asp (NM_030918.6); short protein forms A349D.
Identifiers: ClinVar variation 664374 (VCV000664374.8), dbSNP rs771457853, ClinGen allele CA1093577.

ClinVar aggregate classification (germline): Uncertain significance (1 of 4 stars; one submission).

Conditions:
Severe myoclonic epilepsy in infancy (DRVT). Also called: Severe Myoclonic Epilepsy in Infancy (SMEI); Dravet syndrome; SEVERE MYOCLONIC EPILEPSY OF INFANCY; DEVELOPMENTAL AND EPILEPTIC ENCEPHALOPATHY 6A; Epileptic encephalopathy, early infantile, 6 (Dravet syndrome). Identifiers: Orphanet 33069, MedGen C0751122, MONDO:0100135, OMIM 607208.

Allele frequency attached by ClinVar (database versions not stated): ExAC 0.00001; gnomAD 0.00001; TOPMed 0.00001; gnomAD exomes 0.00002.
gnomAD v4.1: 84 of 1,613,928 alleles (0.0052%); highest among the groups gnomAD compares: Non-Finnish European, 0.007%; no homozygotes.

Submission:

Labcorp Genetics (formerly Invitae), Labcorp
Classification: Uncertain significance for Severe myoclonic epilepsy in infancy. Last evaluated: 2022-10-25. Review status: criteria provided, single submitter. Criteria: Invitae Variant Classification Sherloc (09022015). Collection method: clinical testing. Allele origin: germline.
Comment: This sequence change replaces alanine, which is neutral and non-polar, with aspartic acid, which is acidic and polar, at codon 349 of the SNX27 protein (p.Ala349Asp). This variant is present in population databases (rs771457853, gnomAD 0.004%). This missense change has been observed in individual(s) with epilepsy (PMID: 31957018). ClinVar contains an entry for this variant (Variation ID: 664374). Algorithms developed to predict the effect of missense changes on protein structure and function (SIFT, PolyPhen-2, Align-GVGD) all suggest that this variant is likely to be disruptive. In summary, the available evidence is currently insufficient to determine the role of this variant in disease. Therefore, it has been classified as a Variant of Uncertain Significance.

Literature cited by the submitters: PubMed 31957018.